The following is an entry in ClinVar:

NM_152558.5(IQCE):c.212G>A (p.Arg71Gln)

Gene: IQCE (IQ motif containing E; plus strand). Cytogenetic location: 7p22.3.
Variant type: single nucleotide variant.
Coding change: c.212G>A on transcript NM_152558.5 (MANE Select); coding-DNA position 212, G replaced by A.
Protein change: p.Arg71Gln; replaces arginine 71 with glutamine.
Molecular consequence: missense variant.
Genome position (GRCh38, 1-based): chr7:2,571,607, G>A. VCF-style: chr7-2571607-G-A. GRCh37 (hg19) VCF-style: chr7-2611241-G-A.
Other names: c.212G>A, p.Arg71Gln (NM_001287499.2); c.164G>A, p.Arg55Gln (NM_001287500.2); c.17G>A, p.Arg6Gln (NM_001287501.2, NM_001287502.2); short protein forms R6Q, R55Q, R71Q.
Identifiers: ClinVar variation 684526 (VCV000684526.4), dbSNP rs61736920, ClinGen allele CA4128463.
Genomic context (GRCh38, chr7:2,571,607, plus strand): 5'-CGAGAAAAGTGGCCTCCTGGAGGTCCCTCAGGACGGCAGGGAGCATGCCTCTGGGCGGCC[G>A]AGCGTCCCTGACCCCGCAGAAGCTGTGGCTGGGAACCGCAAAGCCAGGTATGTGGTTGTC-3'
Protein context (NP_689771.3, residues 61-81): RTAGSMPLGG[Arg71Gln]ASLTPQKLWL

ClinVar aggregate classification (germline): Benign (1 of 4 stars; one submission).

Conditions:
Polydactyly, postaxial, type a7. Identifiers: MedGen C4539976, MONDO:0060550, OMIM 617642.

Allele frequency attached by ClinVar (database versions not stated): gnomAD exomes 0.01802 and 0.01437; ExAC 0.02014; TOPMed 0.00711; ESP Exome Variant Server 0.00868; 1000 Genomes Project 30x 0.01327; 1000 Genomes Project 0.01378; gnomAD 0.01521 and 0.01588.
gnomAD v4.1: 23,315 of 1,601,648 alleles (1.5%); highest among the groups gnomAD compares: South Asian, 4.2%; 427 homozygotes.

Submission:

Genome-Nilou Lab
Classification: Benign for Polydactyly, postaxial, type a7. Last evaluated: 2021-08-19. Review status: criteria provided, single submitter. Criteria: ACMG Guidelines, 2015. Collection method: clinical testing. Allele origin: germline. Affected: no.